The following is an entry in ClinVar:

ClinVar aggregate classification (germline): Uncertain significance. Review status: criteria provided, multiple submitters, no conflicts (2 of 4 stars). 2 submissions from 2 submitters: Uncertain significance (2). Last evaluated 2025-03-13.

Conditions:
Familial cancer of breast. Also called: BREAST CANCER, FAMILIAL; Hereditary breast cancer; hereditary breast carcinoma. Identifiers: Orphanet 227535, MedGen C0346153, MONDO:0016419, OMIM 114480. Disease mechanism: loss of function.
Fanconi anemia complementation group J. Also called: BRIP1-Related Fanconi Anemia. Identifiers: Orphanet 84, MedGen C1836860, MONDO:0012187, OMIM 609054.
Hereditary cancer-predisposing syndrome. Also called: Tumor predisposition; Hereditary neoplastic syndrome; Neoplastic Syndromes, Hereditary; Hereditary Cancer Syndrome. Identifiers: Orphanet 140162, MedGen C0027672, MeSH D009386, MONDO:0015356.

Allele frequency attached by ClinVar (database versions not stated): gnomAD exomes below 0.00001.
gnomAD v4.1: 1 of 1,613,716 alleles (0.000062%); highest among the groups gnomAD compares: Non-Finnish European, 0.000085%; no homozygotes.

Submissions (2):

Labcorp Genetics (formerly Invitae), Labcorp
Classification: Uncertain significance for Familial cancer of breast; Fanconi anemia complementation group J. Last evaluated: 2025-03-13. Review status: criteria provided, single submitter. Criteria: Invitae Variant Classification Sherloc (09022015). Collection method: clinical testing. Allele origin: germline.
Comment: This sequence change replaces asparagine, which is neutral and polar, with serine, which is neutral and polar, at codon 182 of the BRIP1 protein (p.Asn182Ser). This variant is not present in population databases (gnomAD no frequency). This variant has not been reported in the literature in individuals affected with BRIP1-related conditions. ClinVar contains an entry for this variant (Variation ID: 1376897). Invitae Evidence Modeling of protein sequence and biophysical properties (such as structural, functional, and spatial information, amino acid conservation, physicochemical variation, residue mobility, and thermodynamic stability) indicates that this missense variant is not expected to disrupt BRIP1 protein function with a negative predictive value of 95%. In summary, the available evidence is currently insufficient to determine the role of this variant in disease. Therefore, it has been classified as a Variant of Uncertain Significance.

Ambry Genetics
Classification: Uncertain significance for Hereditary cancer-predisposing syndrome. Last evaluated: 2023-10-01. Review status: criteria provided, single submitter. Criteria: Ambry Variant Classification Scheme 2023. Collection method: clinical testing. Allele origin: germline.
Comment: The p.N182S variant (also known as c.545A>G), located in coding exon 5 of the BRIP1 gene, results from an A to G substitution at nucleotide position 545. The asparagine at codon 182 is replaced by serine, an amino acid with highly similar properties. This amino acid position is conserved. In addition, this alteration is predicted to be tolerated by in silico analysis. Since supporting evidence is limited at this time, the clinical significance of this alteration remains unclear.

NM_032043.3(BRIP1):c.545A>G (p.Asn182Ser)

Gene: BRIP1 (BRCA1 interacting DNA helicase 1; minus strand). Cytogenetic location: 17q23.2.
Variant type: single nucleotide variant.
Coding change: c.545A>G on transcript NM_032043.3 (MANE Select); coding-DNA position 545, A replaced by G.
Protein change: p.Asn182Ser; replaces asparagine 182 with serine.
Molecular consequence: missense variant.
Genome position (GRCh38, 1-based): chr17:61,847,183, T>C on the plus strand (A>G on the coding strand, the complement: BRIP1 is on the minus strand). VCF-style: chr17-61847183-T-C. GRCh37 (hg19) VCF-style: chr17-59924544-T-C.
Other names: c.545A>G (NM_032043.2); short protein forms N182S.
Identifiers: ClinVar variation 1376897 (VCV001376897.8), dbSNP rs2145744130, ClinGen allele CA400483197.